The following is an entry in ClinVar:

NM_000038.6(APC):c.6540G>T (p.Lys2180Asn)

Gene: APC (APC regulator of Wnt signaling pathway; plus strand). Cytogenetic location: 5q22.2.
Variant type: single nucleotide variant.
Coding change: c.6540G>T on transcript NM_000038.6 (MANE Select); coding-DNA position 6540, G replaced by T.
Protein change: p.Lys2180Asn; replaces lysine 2180 with asparagine.
Molecular consequence: missense variant.
Genome position (GRCh38, 1-based): chr5:112,842,134, G>T. VCF-style: chr5-112842134-G-T. GRCh37 (hg19) VCF-style: chr5-112177831-G-T.
Other names: c.6540G>T, p.Lys2180Asn (NM_001127510.3, NM_001354895.2); c.6486G>T, p.Lys2162Asn (NM_001127511.3); c.6594G>T, p.Lys2198Asn (NM_001354896.2); c.6570G>T, p.Lys2190Asn (NM_001354897.2); c.6465G>T, p.Lys2155Asn (NM_001354898.2); c.6456G>T, p.Lys2152Asn (NM_001354899.2); c.6417G>T, p.Lys2139Asn (NM_001354900.2); c.6363G>T, p.Lys2121Asn (NM_001354901.2); and 5 more; short protein forms K1897N, K2020N, K2054N, K2079N, K2089N, K2121N, K2139N, K2152N.
Identifiers: ClinVar variation 1172003 (VCV001172003.3), dbSNP rs1465288890, ClinGen allele CA16035639.

ClinVar aggregate classification (germline): Uncertain significance. Review status: criteria provided, multiple submitters, no conflicts (2 of 4 stars). 2 submissions from 2 submitters: Uncertain significance (2). Last evaluated 2026-02-20.

Conditions:
Hereditary cancer-predisposing syndrome. Also called: Neoplastic Syndromes, Hereditary; Tumor predisposition; Hereditary Cancer Syndrome; Hereditary neoplastic syndrome. Identifiers: Orphanet 140162, MedGen C0027672, MeSH D009386, MONDO:0015356.

Submissions (2):

Ambry Genetics
Classification: Uncertain significance for Hereditary cancer-predisposing syndrome. Last evaluated: 2026-02-20. Review status: criteria provided, single submitter. Criteria: Ambry Variant Classification Scheme 2023. Collection method: clinical testing. Allele origin: germline.
Comment: The p.K2180N variant (also known as c.6540G>T), located in coding exon 15 of the APC gene, results from a G to T substitution at nucleotide position 6540. The lysine at codon 2180 is replaced by asparagine, an amino acid with similar properties. This amino acid position is conserved. In addition, in silico predictors for this gene do not accurately predict pathogenicity. Based on the available evidence, the clinical significance of this variant remains unclear.

Color Diagnostics, LLC DBA Color Health
Classification: Uncertain significance for Hereditary cancer-predisposing syndrome. Last evaluated: 2020-07-14. Review status: criteria provided, single submitter. Criteria: ACMG Guidelines, 2015. Collection method: clinical testing. Allele origin: germline.
Comment: This missense variant replaces lysine with asparagine at codon 2180 of the APC protein. Computational prediction suggests that this variant may not impact protein structure and function (internally defined REVEL score threshold <= 0.5, PMID: 27666373). To our knowledge, functional studies have not been reported for this variant. This variant has not been reported in individuals affected with hereditary cancer in the literature. This variant has not been identified in the general population by the Genome Aggregation Database (gnomAD). The available evidence is insufficient to determine the role of this variant in disease conclusively. Therefore, this variant is classified as a Variant of Uncertain Significance.